The following is an entry in ClinVar:

NM_001017420.3(ESCO2):c.1111A>G (p.Thr371Ala)

Gene: ESCO2 (establishment of sister chromatid cohesion N-acetyltransferase 2; plus strand). Cytogenetic location: 8p21.1.
Variant type: single nucleotide variant.
Coding change: c.1111A>G on transcript NM_001017420.3 (MANE Select); coding-DNA position 1111, A replaced by G.
Protein change: p.Thr371Ala; replaces threonine 371 with alanine.
Molecular consequence: missense variant.
Genome position (GRCh38, 1-based): chr8:27,787,982, A>G. VCF-style: chr8-27787982-A-G. GRCh37 (hg19) VCF-style: chr8-27645499-A-G.
Other names: short protein forms T371A.
Identifiers: ClinVar variation 2187955 (VCV002187955.4), dbSNP rs1563474742, ClinGen allele CA370823678.

ClinVar aggregate classification (germline): Uncertain significance (1 of 4 stars; one submission).

Submission:

Labcorp Genetics (formerly Invitae), Labcorp
Classification: Uncertain significance. Last evaluated: 2022-07-12. Review status: criteria provided, single submitter. Criteria: Invitae Variant Classification Sherloc (09022015). Collection method: clinical testing. Allele origin: germline.
Comment: In summary, the available evidence is currently insufficient to determine the role of this variant in disease. Therefore, it has been classified as a Variant of Uncertain Significance. Algorithms developed to predict the effect of missense changes on protein structure and function (SIFT, PolyPhen-2, Align-GVGD) all suggest that this variant is likely to be tolerated. This variant has not been reported in the literature in individuals affected with ESCO2-related conditions. This variant is not present in population databases (gnomAD no frequency). This sequence change replaces threonine, which is neutral and polar, with alanine, which is neutral and non-polar, at codon 371 of the ESCO2 protein (p.Thr371Ala).